The following is an entry in ClinVar:

NM_024312.5(GNPTAB):c.2957G>A (p.Arg986His)

Gene: GNPTAB (N-acetylglucosamine-1-phosphate transferase subunits alpha and beta; minus strand). Cytogenetic location: 12q23.2.
Variant type: single nucleotide variant.
Coding change: c.2957G>A on transcript NM_024312.5 (MANE Select); coding-DNA position 2957, G replaced by A.
Protein change: p.Arg986His; replaces arginine 986 with histidine.
Molecular consequence: missense variant.
Genome position (GRCh38, 1-based): chr12:101,761,305, C>T on the plus strand (G>A on the coding strand, the complement: GNPTAB is on the minus strand). VCF-style: chr12-101761305-C-T. GRCh37 (hg19) VCF-style: chr12-102155083-C-T.
Other names: short protein forms R986H.
Identifiers: ClinVar variation 917833 (VCV000917833.15), dbSNP rs776312538, ClinGen allele CA6746285.

ClinVar aggregate classification (germline): Likely pathogenic. Review status: criteria provided, multiple submitters, no conflicts (2 of 4 stars). 6 submissions from 6 submitters: Likely pathogenic (5). 1 of the submissions does not count toward it. Last evaluated 2024-12-18.

Conditions:
Mucolipidosis type II. Also called: Mucolipidosis II Alpha/Beta; ML II ALPHA/BETA; Mucolipidosis 2; ML 2; Inclusion cell disease; Leroy Disease. Identifiers: Orphanet 576, MedGen C2673377, MONDO:0009650, OMIM 252500.
Pseudo-Hurler polydystrophy. Also called: MUCOLIPIDOSIS IIIA; ML III; ML III ALPHA/BETA; Type III Mucolipidosis; Mucolipidosis III Alpha/Beta; ML IIIA. Identifiers: Orphanet 423461, Orphanet 577, MedGen C0033788, MONDO:0018931, OMIM 252600.
Mucolipidosis. Also called: Mucolipidoses. Identifiers: Orphanet 79212, MedGen C0026697, MONDO:0019248.

Allele frequency attached by ClinVar (database versions not stated): gnomAD 0.00001 and below 0.00001; TOPMed below 0.00001.
gnomAD v4.1: 8 of 1,613,962 alleles (0.0005%); highest among the groups gnomAD compares: East Asian, 0.0045%; no homozygotes.

Submissions (6):

Genomic Medicine Center of Excellence, King Faisal Specialist Hospital and Research Centre
Classification: Likely pathogenic for Mucolipidosis type II. Last evaluated: 2024-12-18. Review status: criteria provided, single submitter. Criteria: ACMG Guidelines, 2015. Collection method: clinical testing. Allele origin: germline.

Natera, Inc.
Classification: Likely pathogenic for Mucolipidosis type II. Last evaluated: 2024-11-19. Review status: criteria provided, single submitter. Criteria: Natera Variant Classification Schema (03/2026). Collection method: clinical testing. Allele origin: germline.
Comment: The c.2957G>A variant in GNPTAB is a missense variant predicted to cause substitution of arginine to histidine at amino acid 986. This variant is rare in the general population with a frequency below the threshold expected for the associated phenotype(s). This variant has been observed in one or more individuals affected with the associated recessive disease, as either homozygous or compound heterozygous with a second variant (PMID: 32651481). A different variant at the same position has been determined to be Pathogenic or Likely Pathogenic. Computational prediction algorithms indicate this variant is likely to affect gene or protein function. Given the available evidence, this variant is classified as Likely Pathogenic.

Fulgent Genetics
Classification: Likely pathogenic for Mucolipidosis type II; Pseudo-Hurler polydystrophy. Last evaluated: 2024-06-13. Review status: criteria provided, single submitter. Criteria: ACMG Guidelines, 2015. Collection method: clinical testing. Allele origin: germline.

Labcorp Genetics (formerly Invitae), Labcorp
Classification: Likely pathogenic for Pseudo-Hurler polydystrophy; Mucolipidosis type II. Last evaluated: 2023-08-29. Review status: criteria provided, single submitter. Criteria: Invitae Variant Classification Sherloc (09022015). Collection method: clinical testing. Allele origin: germline.
Comment: This sequence change replaces arginine, which is basic and polar, with histidine, which is basic and polar, at codon 986 of the GNPTAB protein (p.Arg986His). This variant is present in population databases (rs776312538, gnomAD 0.003%). This missense change has been observed in individual(s) with clinical features of GNPTAB-related conditions (PMID: 30882951, 32651481). ClinVar contains an entry for this variant (Variation ID: 917833). Advanced modeling of protein sequence and biophysical properties (such as structural, functional, and spatial information, amino acid conservation, physicochemical variation, residue mobility, and thermodynamic stability) performed at Invitae indicates that this missense variant is expected to disrupt GNPTAB protein function. This variant disrupts the p.Arg986 amino acid residue in GNPTAB. Other variant(s) that disrupt this residue have been determined to be pathogenic (PMID: 22495880; Invitae). This suggests that this residue is clinically significant, and that variants that disrupt this residue are likely to be disease-causing. In summary, the currently available evidence indicates that the variant is pathogenic, but additional data are needed to prove that conclusively. Therefore, this variant has been classified as Likely Pathogenic.

Women's Health and Genetics/Laboratory Corporation of America, LabCorp
Classification: Likely pathogenic for Mucolipidosis. Last evaluated: 2023-01-27. Review status: criteria provided, single submitter. Criteria: LabCorp Variant Classification Summary - May 2015. Collection method: clinical testing. Allele origin: germline.
Comment: Variant summary: GNPTAB c.2957G>A (p.Arg986His) results in a non-conservative amino acid change located in the Stealth protein CR3, conserved region 3 (IPR031357) of the encoded protein sequence. Five of five in-silico tools predict a damaging effect of the variant on protein function. The variant allele was found at a frequency of 4e-06 in 251290 control chromosomes (gnomAD). c.2957G>A has been reported in the literature in a homozygous individual affected with Mucolipidosis (Pasumarthi_2020). In addition, other missense changes affecting the same amino acid (i.e. R986C/G/S) have been reported in individuals affected with Mucolipidosis (HGMD), suggesting clinical importance for this residue. To our knowledge, no experimental evidence demonstrating an impact on protein function has been reported. However, in vitro functional studies reported that a different missense affecting this amino acid residue (R986C) almost completely abolished enzyme activity (Danyukova_2020). Two clinical diagnostic laboratories have submitted clinical-significance assessments for this variant to ClinVar after 2014 without evidence for independent evaluation, and both of them classified the variant as likely pathogenic. Based on the evidence outlined above, the variant was classified as likely pathogenic.

Diagnostics Division, CENTRE FOR DNA FINGERPRINTING AND DIAGNOSTICS
Classification: Likely pathogenic for Mucolipidosis type II; Pseudo-Hurler polydystrophy. Last evaluated: 2019-01-01. Review status: no assertion criteria provided. Collection method: research. Allele origin: germline. Affected: yes. Observed: 1 variant allele. Not counted in ClinVar's aggregate classification.

Literature cited by the submitters: PubMed 32651481 (cited by 3 submitters); PubMed 30882951 (cited by Labcorp Genetics (formerly Invitae), Labcorp and Women's Health and Genetics/Laboratory Corporation of America, LabCorp); PubMed 22495880 (cited by Labcorp Genetics (formerly Invitae), Labcorp); PubMed 31579991 (cited by Women's Health and Genetics/Laboratory Corporation of America, LabCorp).